The following is an entry in ClinVar:

ClinVar aggregate classification (germline): Pathogenic. Review status: criteria provided, multiple submitters, no conflicts (2 of 4 stars). 2 submissions from 2 submitters: Pathogenic (2). Last evaluated 2022-08-22.

Conditions:
Dystonia 12 (DYT12). Also called: Rapid-Onset Dystonia-Parkinsonism (RDP); DYT-ATP1A3. Identifiers: Orphanet 71517, MedGen C1868681, MONDO:0007496, OMIM 128235.
Inborn genetic diseases. Identifiers: MedGen C0950123, MeSH D030342.

Submissions (2):

Labcorp Genetics (formerly Invitae), Labcorp
Classification: Pathogenic for Dystonia 12. Last evaluated: 2022-08-22. Review status: criteria provided, single submitter. Criteria: Invitae Variant Classification Sherloc (09022015). Collection method: clinical testing. Allele origin: germline.
Comment: This missense change has been observed in individual(s) with ATP1A3-related conditions (PMID: 31425744, 31618474). In at least one individual the variant was observed to be de novo. For these reasons, this variant has been classified as Pathogenic. Experimental studies have shown that this missense change affects ATP1A3 function (PMID: 31425744). Advanced modeling of protein sequence and biophysical properties (such as structural, functional, and spatial information, amino acid conservation, physicochemical variation, residue mobility, and thermodynamic stability) performed at Invitae indicates that this missense variant is expected to disrupt ATP1A3 protein function. ClinVar contains an entry for this variant (Variation ID: 520712). This variant is not present in population databases (gnomAD no frequency). This sequence change replaces leucine, which is neutral and non-polar, with proline, which is neutral and non-polar, at codon 924 of the ATP1A3 protein (p.Leu924Pro).

Ambry Genetics
Classification: Pathogenic for Inborn genetic diseases. Last evaluated: 2015-06-03. Review status: criteria provided, single submitter. Criteria: Ambry exome assertion method (8-5-2015). Collection method: clinical testing. Allele origin: germline. Affected: yes. Observed: 1 variant allele.

Literature cited by the submitters: PubMed 31425744 (cited by Labcorp Genetics (formerly Invitae), Labcorp); PubMed 31618474 (cited by Labcorp Genetics (formerly Invitae), Labcorp).

NM_152296.5(ATP1A3):c.2771T>C (p.Leu924Pro)

Gene: ATP1A3 (ATPase Na+/K+ transporting subunit alpha 3; minus strand). Cytogenetic location: 19q13.2.
Variant type: single nucleotide variant.
Coding change: c.2771T>C on transcript NM_152296.5 (MANE Select); coding-DNA position 2771, T replaced by C.
Protein change: p.Leu924Pro; replaces leucine 924 with proline.
Molecular consequence: missense variant.
Genome position (GRCh38, 1-based): chr19:41,968,833, A>G on the plus strand (T>C on the coding strand, the complement: ATP1A3 is on the minus strand). VCF-style: chr19-41968833-A-G. GRCh37 (hg19) VCF-style: chr19-42472985-A-G.
Other names: c.2804T>C, p.Leu935Pro (NM_001256213.2); c.2810T>C, p.Leu937Pro (NM_001256214.2); short protein forms L924P, L935P, L937P.
Identifiers: ClinVar variation 520712 (VCV000520712.13), dbSNP rs1555859157, ClinGen allele CA406035981.
Genomic context (GRCh38, chr19:41,968,833, plus strand): 5'-CCCGGCCCTCACTTCATGCCCTGCTGGAAGACCGAGTTCCTCCGGGTCTTGCAGATGATC[A>G]GATCGGCCCACTGGACGACAACGATGCTCACAAAGAAGGCCGTGTGGCAGGTGAACTCCA-3'
Protein context (NP_689509.1, residues 914-934): VSIVVVQWAD[Leu924Pro]IICKTRRNSV